The following is an entry in ClinVar:

ClinVar aggregate classification (germline): Likely benign (0 of 4 stars; one submission).

Conditions:
SFTPC-related disorder. Also called: SFTPC-related condition.

Allele frequency attached by ClinVar (database versions not stated): gnomAD exomes below 0.00001; ExAC 0.00001; gnomAD 0.00004; TOPMed 0.00005; ESP Exome Variant Server 0.00008.

Submission:

PreventionGenetics, part of Exact Sciences
Classification: Likely benign for SFTPC-related condition. Last evaluated: 2019-08-13. Review status: no assertion criteria provided. Collection method: clinical testing. Allele origin: germline.
Comment: This variant is classified as likely benign based on ACMG/AMP sequence variant interpretation guidelines (Richards et al. 2015 PMID: 25741868, with internal and published modifications).

NM_001317778.2(SFTPC):c.-10C>G

Gene: SFTPC (surfactant protein C; plus strand). Cytogenetic location: 8p21.3.
Variant type: single nucleotide variant.
Coding change: c.-10C>G on transcript NM_001317778.2 (MANE Select); 10 bases upstream of the start codon, C replaced by G.
Molecular consequence: 5 prime UTR variant.
Genome position (GRCh38, 1-based): chr8:22,161,819, C>G. VCF-style: chr8-22161819-C-G. GRCh37 (hg19) VCF-style: chr8-22019332-C-G.
Other names: c.-10C>G (NM_001172357.2, NM_001172410.2, NM_001317779.2 and 10 more transcripts).
Identifiers: ClinVar variation 3053743 (VCV003053743.2), dbSNP rs371755328, ClinGen allele CA4663846.